The following is an entry in ClinVar:

NM_017950.4(CCDC40):c.3250G>A (p.Val1084Met)

Gene: CCDC40 (coiled-coil domain 40 molecular ruler complex subunit; plus strand). Cytogenetic location: 17q25.3.
Variant type: single nucleotide variant.
Coding change: c.3250G>A on transcript NM_017950.4 (MANE Select); coding-DNA position 3250, G replaced by A.
Protein change: p.Val1084Met; replaces valine 1084 with methionine.
Molecular consequence: missense variant.
Genome position (GRCh38, 1-based): chr17:80,099,596, G>A. VCF-style: chr17-80099596-G-A. GRCh37 (hg19) VCF-style: chr17-78073395-G-A.
Other names: short protein forms V1084M.
Identifiers: ClinVar variation 525303 (VCV000525303.8), dbSNP rs546314844, ClinGen allele CA8814683.

ClinVar aggregate classification (germline): Uncertain significance. Review status: criteria provided, multiple submitters, no conflicts (2 of 4 stars). 3 submissions from 3 submitters: Uncertain significance (3). Last evaluated 2025-08-20.

Conditions:
Primary ciliary dyskinesia. Also called: Ciliary dyskinesia. Identifiers: Orphanet 244, MedGen C0008780, MONDO:0016575, HP:0012265.
Primary ciliary dyskinesia 15. Also called: CILIARY DYSKINESIA, PRIMARY, 15, WITH OR WITHOUT SITUS INVERSUS. Identifiers: Orphanet 244, MedGen C3151137, MONDO:0013435, OMIM 613808.

Allele frequency attached by ClinVar (database versions not stated): ExAC 0.00003; gnomAD 0.00005 and 0.00006; gnomAD exomes 0.00005; TOPMed 0.00005; 1000 Genomes Project 30x 0.00031; 1000 Genomes Project 0.00040.
gnomAD v4.1: 150 of 1,613,646 alleles (0.0093%); highest among the groups gnomAD compares: Non-Finnish European, 0.011%; no homozygotes.

Submissions (3):

Ambry Genetics
Classification: Uncertain significance for Primary ciliary dyskinesia. Last evaluated: 2025-08-20. Review status: criteria provided, single submitter. Criteria: Ambry Variant Classification Scheme 2023. Collection method: clinical testing. Allele origin: germline.

Fulgent Genetics
Classification: Uncertain significance for Primary ciliary dyskinesia 15. Last evaluated: 2024-04-04. Review status: criteria provided, single submitter. Criteria: ACMG Guidelines, 2015. Collection method: clinical testing. Allele origin: germline.

Labcorp Genetics (formerly Invitae), Labcorp
Classification: Uncertain significance for Primary ciliary dyskinesia. Last evaluated: 2021-11-27. Review status: criteria provided, single submitter. Criteria: Invitae Variant Classification Sherloc (09022015). Collection method: clinical testing. Allele origin: germline.
Comment: This sequence change replaces valine, which is neutral and non-polar, with methionine, which is neutral and non-polar, at codon 1084 of the CCDC40 protein (p.Val1084Met). This variant is present in population databases (rs546314844, gnomAD 0.008%). This variant has not been reported in the literature in individuals affected with CCDC40-related conditions. ClinVar contains an entry for this variant (Variation ID: 525303). Algorithms developed to predict the effect of missense changes on protein structure and function are either unavailable or do not agree on the potential impact of this missense change (SIFT: "Tolerated"; PolyPhen-2: "Possibly Damaging"; Align-GVGD: "Class C0"). In summary, the available evidence is currently insufficient to determine the role of this variant in disease. Therefore, it has been classified as a Variant of Uncertain Significance.